The following is an entry in ClinVar:

NM_004519.4(KCNQ3):c.1142C>T (p.Ala381Val)

Gene: KCNQ3 (potassium voltage-gated channel subfamily Q member 3; minus strand). Cytogenetic location: 8q24.22.
Variant type: single nucleotide variant.
Coding change: c.1142C>T on transcript NM_004519.4 (MANE Select); coding-DNA position 1142, C replaced by T.
Protein change: p.Ala381Val; replaces alanine 381 with valine.
Molecular consequence: missense variant.
Genome position (GRCh38, 1-based): chr8:132,170,427, G>A on the plus strand (C>T on the coding strand, the complement: KCNQ3 is on the minus strand). VCF-style: chr8-132170427-G-A. GRCh37 (hg19) VCF-style: chr8-133182674-G-A.
Other names: c.782C>T, p.Ala261Val (NM_001204824.2); short protein forms A381V, A261V.
Identifiers: ClinVar variation 433110 (VCV000433110.3), dbSNP rs1554626549, ClinGen allele CA372289792.
Genomic context (GRCh38, chr8:132,170,427, plus strand): 5'-AATCTCCATGTCGCCACCAGGTCAATCCTGTTGGGGTTGGTAGCATAATACCTCCAGGCA[G>A]CCTGAGGGGCAGAAAAGAGGGGCAACAATGAGTGGGCACCACCTGAAACTTTCGCACAGA-3'
Protein context (NP_004510.1, residues 371-391): RRKPAAELIQ[Ala381Val]AWRYYATNPN

ClinVar aggregate classification (germline): Pathogenic. Review status: no assertion criteria provided (0 of 4 stars). 2 submissions from 2 submitters: Pathogenic (1). 1 of the submissions does not count toward it. Last evaluated 2017-01-01.

Conditions:
Self-limited epilepsy with centrotemporal spikes. Also called: Rolandic epilepsy; Childhood epilepsy with centrotemporal spikes. Identifiers: Orphanet 1945, MedGen C0376532, MONDO:0007295.
Seizures, benign familial neonatal, 2. Also called: CONVULSIONS, BENIGN FAMILIAL NEONATAL, 2; Benign Neonatal Epilepsy 2; KCNQ3-Related Self-Limited Familial Neonatal Epilepsy (SLFNE); KCNQ3-Related Benign Familial Neonatal Epilepsy; Seizures, benign neonatal, 2. Identifiers: Orphanet 1949, MedGen C1852581, MONDO:0007366, OMIM 121201.

Submissions (2):

Bioinformatics Core, Luxembourg Center for Systems Biomedicine
Classification: Pathogenic for Self-limited epilepsy with centrotemporal spikes. Last evaluated: 2017-01-01. Review status: no assertion criteria provided. Collection method: case-control. Allele origin: germline. Affected: yes. Study: EUROEPINOMICS COGIE.

GeneReviews
No classification provided. Condition: Seizures, benign familial neonatal, 2. Review status: no classification provided. Collection method: literature only. Allele origin: germline. Not counted in ClinVar's aggregate classification.
Comment: Variant occurred in 2 sibs with rolandic epilepsy (no neonatal seizures), but was also present in their unaffected mother; a very rare allele, absent in the gnomad database of 250K alleles.

Literature cited by the submitters: PubMed 29358611 (cited by Bioinformatics Core, Luxembourg Center for Systems Biomedicine); NCBI Bookshelf NBK201978 (cited by GeneReviews); PubMed 18625963 (cited by GeneReviews).